The following is an entry in ClinVar:

NM_005445.4(SMC3):c.283G>A (p.Glu95Lys)

Gene: SMC3 (structural maintenance of chromosomes 3; plus strand). Cytogenetic location: 10q25.2.
Variant type: single nucleotide variant.
Coding change: c.283G>A on transcript NM_005445.4 (MANE Select); coding-DNA position 283, G replaced by A.
Protein change: p.Glu95Lys; replaces glutamic acid 95 with lysine.
Molecular consequence: missense variant.
Genome position (GRCh38, 1-based): chr10:110,577,847, G>A. VCF-style: chr10-110577847-G-A. GRCh37 (hg19) VCF-style: chr10-112337605-G-A.
Other names: short protein forms E95K.
Identifiers: ClinVar variation 224089 (VCV000224089.2), dbSNP rs869312672, ClinGen allele CA090929.

ClinVar aggregate classification (germline): Likely pathogenic. Review status: criteria provided, multiple submitters, no conflicts (2 of 4 stars). 2 submissions from 2 submitters: Likely pathogenic (2). Last evaluated 2015-04-17.

Conditions:
De Lange syndrome (CDLS). Also called: Cornelia de Lange syndrome; CDL. Identifiers: Orphanet 199, MedGen C0270972, MONDO:0016033.
Cornelia de Lange syndrome 3 (CDLS3). Also called: SMC3-Related Cornelia de Lange Syndrome; CORNELIA DE LANGE SYNDROME 3 WITH OR WITHOUT MIDLINE BRAIN DEFECTS. Identifiers: Orphanet 199, MedGen C1853099, MONDO:0012555, OMIM 610759.

Allele frequency attached by ClinVar (database versions not stated): gnomAD exomes below 0.00001.
gnomAD v4.1: 2 of 1,610,368 alleles (0.00012%); highest among the groups gnomAD compares: Non-Finnish European, 0.000085%; no homozygotes.

Submissions (2):

Laboratory for Molecular Medicine, Mass General Brigham Personalized Medicine
Classification: Likely pathogenic for De Lange syndrome. Last evaluated: 2015-04-17. Review status: criteria provided, single submitter. Criteria: ACMG Guidelines, 2015. Collection method: clinical testing. Allele origin: germline. Inheritance: Autosomal dominant inheritance.
Comment: The p.Glu95Lys variant in SMC3 has been previously reported as a de novo occurrence in 1 individual with moderate ID and speech delay (pers. comm). It was absent from large population studies. Computational prediction tools and conservation analysis suggest that the p.Glu95Lys variant may impact the protein, though this information is not predictive enough to determine pathogenicity. In summary, although additional studies are required to fully establish its clinical significance, the p.Glu95Lys variant is likely pathogenic.

HudsonAlpha Institute for Biotechnology
Classification: Likely pathogenic for Cornelia de Lange syndrome 3. Last evaluated: 2014-08-14. Review status: criteria provided, single submitter. Criteria: HA_assertions_20161101. Collection method: research. Allele origin: de novo. Affected: yes. Study: CSER-HudsonAlpha.